The following is an entry in ClinVar:

ClinVar aggregate classification (germline): Uncertain significance. Review status: criteria provided, multiple submitters, no conflicts (2 of 4 stars). 2 submissions from 2 submitters: Uncertain significance (2). Last evaluated 2025-08-03.

Conditions:
Hereditary cancer-predisposing syndrome. Also called: Hereditary Cancer Syndrome; Neoplastic Syndromes, Hereditary; Hereditary neoplastic syndrome; Tumor predisposition. Identifiers: Orphanet 140162, MedGen C0027672, MeSH D009386, MONDO:0015356.
Familial cancer of breast. Also called: Hereditary breast cancer; hereditary breast carcinoma; BREAST CANCER, FAMILIAL. Identifiers: Orphanet 227535, MedGen C0346153, MONDO:0016419, OMIM 114480. Disease mechanism: loss of function.
Fanconi anemia complementation group J. Also called: BRIP1-Related Fanconi Anemia. Identifiers: Orphanet 84, MedGen C1836860, MONDO:0012187, OMIM 609054.

Submissions (2):

Labcorp Genetics (formerly Invitae), Labcorp
Classification: Uncertain significance for Familial cancer of breast; Fanconi anemia complementation group J. Last evaluated: 2025-08-03. Review status: criteria provided, single submitter. Criteria: Invitae Variant Classification Sherloc (09022015). Collection method: clinical testing. Allele origin: germline.
Comment: This sequence change replaces valine, which is neutral and non-polar, with leucine, which is neutral and non-polar, at codon 758 of the BRIP1 protein (p.Val758Leu). This variant is not present in population databases (gnomAD no frequency). This variant has not been reported in the literature in individuals affected with BRIP1-related conditions. ClinVar contains an entry for this variant (Variation ID: 820926). Invitae Evidence Modeling of protein sequence and biophysical properties (such as structural, functional, and spatial information, amino acid conservation, physicochemical variation, residue mobility, and thermodynamic stability) indicates that this missense variant is not expected to disrupt BRIP1 protein function with a negative predictive value of 95%. In summary, the available evidence is currently insufficient to determine the role of this variant in disease. Therefore, it has been classified as a Variant of Uncertain Significance.

Ambry Genetics
Classification: Uncertain significance for Hereditary cancer-predisposing syndrome. Last evaluated: 2024-05-18. Review status: criteria provided, single submitter. Criteria: Ambry Variant Classification Scheme 2023. Collection method: clinical testing. Allele origin: germline.
Comment: The p.V758L variant (also known as c.2272G>C), located in coding exon 15 of the BRIP1 gene, results from a G to C substitution at nucleotide position 2272. The valine at codon 758 is replaced by leucine, an amino acid with highly similar properties. This amino acid position is not well conserved in available vertebrate species. In addition, the in silico prediction for this alteration is inconclusive. Since supporting evidence is limited at this time, the clinical significance of this alteration remains unclear.

NM_032043.3(BRIP1):c.2272G>C (p.Val758Leu)

Gene: BRIP1 (BRCA1 interacting DNA helicase 1; minus strand). Cytogenetic location: 17q23.2.
Variant type: single nucleotide variant.
Coding change: c.2272G>C on transcript NM_032043.3 (MANE Select); coding-DNA position 2272, G replaced by C.
Protein change: p.Val758Leu; replaces valine 758 with leucine.
Molecular consequence: missense variant.
Genome position (GRCh38, 1-based): chr17:61,743,120, C>G on the plus strand (G>C on the coding strand, the complement: BRIP1 is on the minus strand). VCF-style: chr17-61743120-C-G. GRCh37 (hg19) VCF-style: chr17-59820481-C-G.
Other names: short protein forms V758L.
Identifiers: ClinVar variation 820926 (VCV000820926.6), dbSNP rs1192826909, ClinGen allele CA400482740.
Genomic context (GRCh38, chr17:61,743,120, plus strand): 5'-CACGGGCATTGTCATCTGAGAAATCCAGACCCTCACTCACTTTACCACGACAAACTGCTA[C>G]CAGGAGAGCTCCATCTTAAACAACAGAAAAAAGCATATCCAAAATTCTCAGAAATTGCTT-3'
Protein context (NP_114432.2, residues 748-768): YKGEKDGALL[Val758Leu]AVCRGKVSEG